The following is an entry in ClinVar:

NM_020950.2(KIAA1614):c.302T>C (p.Val101Ala)

Gene: KIAA1614 (KIAA1614; plus strand). Cytogenetic location: 1q25.3.
Variant type: single nucleotide variant.
Coding change: c.302T>C on transcript NM_020950.2 (MANE Select); coding-DNA position 302, T replaced by C.
Protein change: p.Val101Ala; replaces valine 101 with alanine.
Molecular consequence: missense variant.
Genome position (GRCh38, 1-based): chr1:180,916,405, T>C. VCF-style: chr1-180916405-T-C. GRCh37 (hg19) VCF-style: chr1-180885541-T-C.
Other names: short protein forms V101A.
Identifiers: ClinVar variation 2639603 (VCV002639603.24), dbSNP rs2526159612, ClinGen allele CA343604920.

ClinVar aggregate classification (germline): Uncertain significance (1 of 4 stars; one submission).

Submission:

CeGaT Center for Human Genetics Tuebingen
Classification: Uncertain significance. Last evaluated: 2023-07-01. Review status: criteria provided, single submitter. Criteria: CeGaT Center For Human Genetics Tuebingen Variant Classification Criteria Version 2. Collection method: clinical testing. Allele origin: germline. Affected: yes. Observed: 1 variant allele.
Comment: KIAA1614: PM2, BP4